The following is an entry in ClinVar:

ClinVar aggregate classification (germline): Uncertain significance. Review status: criteria provided, multiple submitters, no conflicts (2 of 4 stars). 2 submissions from 2 submitters: Uncertain significance (2). Last evaluated 2024-06-03.

Conditions:
Pancreatic adenocarcinoma. Identifiers: MedGen C0281361, MONDO:0006047, HP:0006725.

Allele frequency attached by ClinVar (database versions not stated): TOPMed below 0.00001; ExAC 0.00001; gnomAD 0.00001; gnomAD exomes 0.00002.
gnomAD v4.1: 3 of 1,605,934 alleles (0.00019%); no homozygotes.

Submissions (2):

Ambry Genetics
Classification: Uncertain significance. Last evaluated: 2024-06-03. Review status: criteria provided, single submitter. Criteria: Ambry Variant Classification Scheme 2023. Collection method: clinical testing. Allele origin: germline.
Comment: The p.E734K variant (also known as c.2200G>A) is located in coding exon 12 of the PALLD gene. The glutamic acid at codon 734 is replaced by lysine, an amino acid with similar properties. This change occurs in the first base pair of coding exon 12. This amino acid position is conserved. In addition, this alteration is predicted to be deleterious by in silico analysis. Since supporting evidence is limited at this time, the clinical significance of this alteration remains unclear.

Labcorp Genetics (formerly Invitae), Labcorp
Classification: Uncertain significance for Pancreatic adenocarcinoma. Last evaluated: 2018-07-09. Review status: criteria provided, single submitter. Criteria: Invitae Variant Classification Sherloc (09022015). Collection method: clinical testing. Allele origin: germline.
Comment: This sequence change replaces glutamic acid with lysine at codon 247 of the PALLD protein (p.Glu247Lys). The glutamic acid residue is highly conserved and there is a small physicochemical difference between glutamic acid and lysine. This variant is not present in population databases (ExAC no frequency). This variant has not been reported in the literature in individuals with PALLD-related disease. Algorithms developed to predict the effect of missense changes on protein structure and function (SIFT, PolyPhen-2, Align-GVGD) all suggest that this variant is likely to be disruptive, but these predictions have not been confirmed by published functional studies and their clinical significance is uncertain. In summary, the available evidence is currently insufficient to determine the role of this variant in disease. Therefore, it has been classified as a Variant of Uncertain Significance.

NM_001166108.2(PALLD):c.2251G>A (p.Glu751Lys)

Genes: CBR4 (carbonyl reductase 4; minus strand), PALLD (palladin, cytoskeletal associated protein; plus strand). Cytogenetic location: 4q32.3.
Variant type: single nucleotide variant.
Coding change: c.2251G>A on transcript NM_001166108.2 (MANE Select); coding-DNA position 2251, G replaced by A.
Protein change: p.Glu751Lys; replaces glutamic acid 751 with lysine.
Molecular consequence: missense variant.
Genome position (GRCh38, 1-based): chr4:168,898,493, G>A. VCF-style: chr4-168898493-G-A. GRCh37 (hg19) VCF-style: chr4-169819644-G-A.
Other names: c.1054G>A, p.Glu352Lys (NM_001166109.2); c.739G>A, p.Glu247Lys (NM_001166110.2); c.79G>A, p.Glu27Lys (NM_001367567.1, NM_001367569.1); c.130G>A, p.Glu44Lys (NM_001367568.1, NM_001367570.1); c.2200G>A, p.Glu734Lys (NM_016081.4); short protein forms E27K, E247K, E751K, E352K, E44K, E734K.
Identifiers: ClinVar variation 654773 (VCV000654773.4), dbSNP rs759161069, ClinGen allele CA3135859.